The following is an entry in ClinVar:

ClinVar aggregate classification (germline): Uncertain significance (1 of 4 stars; one submission).

Submission:

Labcorp Genetics (formerly Invitae), Labcorp
Classification: Uncertain significance. Last evaluated: 2022-05-14. Review status: criteria provided, single submitter. Criteria: Invitae Variant Classification Sherloc (09022015). Collection method: clinical testing. Allele origin: germline.
Comment: This variant is not present in population databases (gnomAD no frequency). In summary, the available evidence is currently insufficient to determine the role of this variant in disease. Therefore, it has been classified as a Variant of Uncertain Significance. Algorithms developed to predict the effect of missense changes on protein structure and function are either unavailable or do not agree on the potential impact of this missense change (SIFT: "Deleterious"; PolyPhen-2: "Benign"; Align-GVGD: "Class C0"). This variant has not been reported in the literature in individuals affected with PSMG2-related conditions. This sequence change replaces tyrosine, which is neutral and polar, with cysteine, which is neutral and slightly polar, at codon 191 of the PSMG2 protein (p.Tyr191Cys).

NM_020232.5(PSMG2):c.572A>G (p.Tyr191Cys)

Gene: PSMG2 (proteasome assembly chaperone 2; plus strand). Cytogenetic location: 18p11.21.
Variant type: single nucleotide variant.
Coding change: c.572A>G on transcript NM_020232.5 (MANE Select); coding-DNA position 572, A replaced by G.
Protein change: p.Tyr191Cys; replaces tyrosine 191 with cysteine.
Molecular consequence: missense variant.
Genome position (GRCh38, 1-based): chr18:12,720,674, A>G. VCF-style: chr18-12720674-A-G. GRCh37 (hg19) VCF-style: chr18-12720673-A-G.
Other names: c.479A>G, p.Tyr160Cys (NM_147163.2); short protein forms Y160C, Y191C.
Identifiers: ClinVar variation 1950135 (VCV001950135.5), dbSNP rs1568045530, ClinGen allele CA401968981.